The following is an entry in ClinVar:

ClinVar aggregate classification (germline): Conflicting classifications of pathogenicity. Review status: criteria provided, conflicting classifications (1 of 4 stars). 3 submissions from 3 submitters: Uncertain significance (1); Likely benign (1). 1 of the submissions does not count toward it. Last evaluated 2024-04-01.

Conditions:
GNAS-related disorder. Identifiers: MedGen CN380105.
Pseudohypoparathyroidism type 1C (PHP1C). Also called: PSEUDOHYPOPARATHYROIDISM, TYPE IC; PHP IC; Pseudohypoparathyroidism Ic (PHP-Ic). Identifiers: Orphanet 79444, MedGen C2932716, MONDO:0012911, OMIM 612462.
Pseudohypoparathyroidism type I A (PHP1A). Also called: Pseudohypoparathyroidism Ia (PHP-Ia); Pseudohypoparathyroidism Type IA; ALBRIGHT HEREDITARY OSTEODYSTROPHY WITH MULTIPLE HORMONE RESISTANCE; PHP IA; Pseudohypoparathyroidism type 1A. Identifiers: Orphanet 79443, MedGen C3494506, MONDO:0007078, OMIM 103580.
Pseudohypoparathyroidism type 1B (PHP1B). Also called: Pseudohypoparathyroidism Ib (PHP-Ib); PHP IB; Pseudohypoparathyroidism Type IB. Identifiers: Orphanet 94089, MedGen C1864100, MONDO:0011301, OMIM 603233.
Pseudopseudohypoparathyroidism (PPHP). Also called: ALBRIGHT HEREDITARY OSTEODYSTROPHY WITHOUT MULTIPLE HORMONE RESISTANCE; Pseudopseudohypoparathyroidism (PPHP). Identifiers: Orphanet 79445, MedGen C0033835, MONDO:0012912, OMIM 612463.

Allele frequency attached by ClinVar (database versions not stated): gnomAD 0.00004; gnomAD exomes 0.00005; ESP Exome Variant Server 0.00008; ExAC 0.00010; TOPMed 0.00005.
gnomAD v4.1: 84 of 1,612,190 alleles (0.0052%); highest among the groups gnomAD compares: Non-Finnish European, 0.00093%; 1 homozygote.

Submissions (3):

CeGaT Center for Human Genetics Tuebingen
Classification: Likely benign. Last evaluated: 2024-04-01. Review status: criteria provided, single submitter. Criteria: CeGaT Center For Human Genetics Tuebingen Variant Classification Criteria Version 2. Collection method: clinical testing. Allele origin: germline. Affected: yes. Observed: 1 variant allele.
Comment: GNAS: BP4

New York Genome Center
Classification: Uncertain significance for Pseudohypoparathyroidism type I A; Pseudohypoparathyroidism type 1B; Pseudohypoparathyroidism type 1C; Pseudopseudohypoparathyroidism. Last evaluated: 2021-08-19. Review status: criteria provided, single submitter. Criteria: NYGC Assertion Criteria 2020. Collection method: clinical testing. Allele origin: germline. Observed: 1 heterozygote.

PreventionGenetics, part of Exact Sciences
Classification: Likely benign for GNAS-related condition. Last evaluated: 2020-01-17. Review status: no assertion criteria provided. Collection method: clinical testing. Allele origin: germline. Not counted in ClinVar's aggregate classification.
Comment: This variant is classified as likely benign based on ACMG/AMP sequence variant interpretation guidelines (Richards et al. 2015 PMID: 25741868, with internal and published modifications).

NM_080425.4(GNAS):c.707A>G (p.Asp236Gly)

Gene: GNAS (GNAS complex locus; plus strand). Cytogenetic location: 20q13.32.
Variant type: single nucleotide variant.
Coding change: c.707A>G on transcript NM_080425.4 (MANE Plus Clinical); coding-DNA position 707, A replaced by G.
Protein change: p.Asp236Gly; replaces aspartic acid 236 with glycine.
Molecular consequence: missense variant. On other transcripts: intron variant (3).
Genome position (GRCh38, 1-based): chr20:58,853,972, A>G. VCF-style: chr20-58853972-A-G. GRCh37 (hg19) VCF-style: chr20-57429027-A-G.
Other names: c.520A>G, p.Thr174Ala (NM_001077490.3, NM_001309883.1); c.707A>G, p.Asp236Gly (NM_001410913.1); c.*42+13086A>G (NM_016592.5); c.43+13086A>G (NM_001410912.1); c.-39+12097A>G (NM_001309861.2); short protein forms D236G, T174A.
Identifiers: ClinVar variation 1803837 (VCV001803837.21), dbSNP rs201290965, ClinGen allele CA9926525.
Genomic context (GRCh38, chr20:58,853,972, plus strand): 5'-ACAGCCCTCCCCCTGAGGAGACTATGCCATTTGAGCTTGATGGAGAAGGATTTGGGGACG[A>G]CAGCCCACCCCCGGGGCTTTCCCGAGTTATCGCACAAGTCGACGGCAGCAGCCAGTTCGC-3'
Protein context (NP_536350.2, residues 226-246): FELDGEGFGD[Asp236Gly]SPPPGLSRVI